The following is an entry in ClinVar:

NM_001042492.3(NF1):c.3543del (p.Val1182fs)

Gene: NF1 (neurofibromin 1; plus strand). Cytogenetic location: 17q11.2.
Variant type: Deletion.
Coding change: c.3543del on transcript NM_001042492.3 (MANE Select); coding-DNA position 3543, one base deleted (A; older notation c.3543delA).
Protein change: p.Val1182fs; shifts the reading frame from valine 1182.
Molecular consequence: frameshift variant.
Genome position (GRCh38, 1-based): chr17:31,233,048, A deleted; the last of 2 consecutive A bases (chr17:31,233,047-31,233,048); deleting either gives the same sequence. VCF-style (leftmost placement, unchanged base first): chr17-31233046-GA-G. GRCh37 (hg19) VCF-style: chr17-29560064-GA-G.
Other names: c.3543delA (NM_000267.3); c.3543delA, p.Val1182Phefs (NM_000267.4); short protein forms V1182fs.
Identifiers: ClinVar variation 4024721 (VCV004024721.1).

ClinVar aggregate classification (germline): Pathogenic (1 of 4 stars; one submission).

Conditions:
Cardiovascular phenotype. Identifiers: MedGen CN230736.
Hereditary cancer-predisposing syndrome. Also called: Tumor predisposition; Hereditary neoplastic syndrome; Neoplastic Syndromes, Hereditary; Hereditary Cancer Syndrome. Identifiers: Orphanet 140162, MedGen C0027672, MeSH D009386, MONDO:0015356.

Submission:

Ambry Genetics
Classification: Pathogenic for Cardiovascular phenotype; Hereditary cancer-predisposing syndrome. Last evaluated: 2025-05-15. Review status: criteria provided, single submitter. Criteria: Ambry Variant Classification Scheme 2023. Collection method: clinical testing. Allele origin: germline.
Comment: The c.3543delA pathogenic mutation, located in coding exon 27 of the NF1 gene, results from a deletion of one nucleotide at nucleotide position 3543, causing a translational frameshift with a predicted alternate stop codon (p.V1182Ffs*2). This variant was reported in individual(s) with features consistent with neurofibromatosis type I (D'Angelo F et al. Nat Med, 2019 Jan;25:176-187; Ambry internal data). This variant is considered to be rare based on population cohorts in the Genome Aggregation Database (gnomAD). In addition to the clinical data presented in the literature, this alteration is expected to result in loss of function by premature protein truncation or nonsense-mediated mRNA decay. As such, this alteration is interpreted as a disease-causing mutation.

Literature cited by the submitters: PubMed 30531922.